The following is an entry in ClinVar:

NM_001364171.2(ODAD1):c.1186C>G (p.Arg396Gly)

Gene: ODAD1 (outer dynein arm docking complex subunit 1; minus strand). Cytogenetic location: 19q13.33.
Variant type: single nucleotide variant.
Coding change: c.1186C>G on transcript NM_001364171.2 (MANE Select); coding-DNA position 1186, C replaced by G.
Protein change: p.Arg396Gly; replaces arginine 396 with glycine.
Molecular consequence: missense variant.
Genome position (GRCh38, 1-based): chr19:48,302,748, G>C on the plus strand (C>G on the coding strand, the complement: ODAD1 is on the minus strand). VCF-style: chr19-48302748-G-C. GRCh37 (hg19) VCF-style: chr19-48806005-G-C.
Other names: c.1075C>G, p.Arg359Gly (NM_144577.4); short protein forms R359G, R396G.
Identifiers: ClinVar variation 2064940 (VCV002064940.3), dbSNP rs373501045, ClinGen allele CA9548788.

ClinVar aggregate classification (germline): Uncertain significance. Review status: criteria provided, multiple submitters, no conflicts (2 of 4 stars). 3 submissions from 3 submitters: Uncertain significance (3). Last evaluated 2024-10-07.

Conditions:
Primary ciliary dyskinesia. Also called: Ciliary dyskinesia. Identifiers: Orphanet 244, MedGen C0008780, MONDO:0016575, HP:0012265.

Allele frequency attached by ClinVar (database versions not stated): ESP Exome Variant Server 0.00015; 1000 Genomes Project 30x 0.00016; 1000 Genomes Project 0.00020.
gnomAD v4.1: 117 of 1,613,354 alleles (0.0073%); highest among the groups gnomAD compares: Non-Finnish European, 0.009%; no homozygotes.

Submissions (3):

Blueprint Genetics
Classification: Uncertain significance. Last evaluated: 2024-10-07. Review status: criteria provided, single submitter. Criteria: ACMG Guidelines, 2015. Collection method: clinical testing. Allele origin: germline.

Labcorp Genetics (formerly Invitae), Labcorp
Classification: Uncertain significance for Primary ciliary dyskinesia. Last evaluated: 2022-05-02. Review status: criteria provided, single submitter. Criteria: Invitae Variant Classification Sherloc (09022015). Collection method: clinical testing. Allele origin: germline.
Comment: This sequence change replaces arginine, which is basic and polar, with glycine, which is neutral and non-polar, at codon 359 of the CCDC114 protein (p.Arg359Gly). This variant is present in population databases (rs373501045, gnomAD 0.01%). This missense change has been observed in individual(s) with clinical features of primary ciliary dyskinesia (Invitae). Algorithms developed to predict the effect of missense changes on protein structure and function output the following: SIFT: "Tolerated"; PolyPhen-2: "Benign"; Align-GVGD: "Class C0". The glycine amino acid residue is found in multiple mammalian species, which suggests that this missense change does not adversely affect protein function. In summary, the available evidence is currently insufficient to determine the role of this variant in disease. Therefore, it has been classified as a Variant of Uncertain Significance.

Breakthrough Genomics
Classification: Uncertain significance. Review status: criteria provided, single submitter. Criteria: ACMG Guidelines, 2015. Collection method: not provided. Allele origin: germline. Inheritance: Autosomal dominant inheritance. Affected: yes.